The following is an entry in ClinVar:

NM_001382567.1(STIM1):c.1673T>A (p.Met558Lys)

Gene: STIM1 (stromal interaction molecule 1; plus strand). Cytogenetic location: 11p15.4.
Variant type: single nucleotide variant.
Coding change: c.1673T>A on transcript NM_001382567.1 (MANE Select); coding-DNA position 1673, T replaced by A.
Protein change: p.Met558Lys; replaces methionine 558 with lysine.
Molecular consequence: missense variant. On other transcripts: non-coding transcript variant (3).
Genome position (GRCh38, 1-based): chr11:4,091,320, T>A. VCF-style: chr11-4091320-T-A. GRCh37 (hg19) VCF-style: chr11-4112550-T-A.
Other names: c.1898T>A, p.Met633Lys (NM_001277961.3); c.1617T>A, p.His539Gln (NM_001277962.2); c.1676T>A, p.Met559Lys (NM_001382566.1); c.1601T>A, p.Met534Lys (NM_001382568.1); c.1445T>A, p.Met482Lys (NM_001382569.1); c.1352T>A, p.Met451Lys (NM_001382570.1); c.1100T>A, p.Met367Lys (NM_001382571.1); c.1358T>A, p.Met453Lys (NM_001382575.1, NM_001382576.1, NM_001382577.1); and 4 more; short protein forms M367K, M482K, M534K, H376Q, M364K, M527K, M558K, M633K.
Identifiers: ClinVar variation 2935791 (VCV002935791.3), dbSNP rs1313776483, ClinGen allele CA379196679.

ClinVar aggregate classification (germline): Uncertain significance (1 of 4 stars; one submission).

Conditions:
Stormorken syndrome (STRMK). Also called: THROMBOCYTOPATHY, ASPLENIA, AND MIOSIS. Identifiers: Orphanet 3204, MedGen C1861451, MONDO:0008497, OMIM 185070.
Combined immunodeficiency due to STIM1 deficiency. Also called: STIM1 DEFICIENCY; IMMUNODEFICIENCY 10. Identifiers: Orphanet 169090, Orphanet 317430, MedGen C2748557, MONDO:0013008, OMIM 612783.
Myopathy with tubular aggregates (TAM). Also called: Tubular Aggregate Myopathy. Identifiers: Orphanet 2593, MedGen C0410207, MONDO:0008051.

Submission:

Labcorp Genetics (formerly Invitae), Labcorp
Classification: Uncertain significance for Myopathy with tubular aggregates; Combined immunodeficiency due to STIM1 deficiency; Stormorken syndrome. Last evaluated: 2023-12-22. Review status: criteria provided, single submitter. Criteria: Invitae Variant Classification Sherloc (09022015). Collection method: clinical testing. Allele origin: germline.
Comment: This sequence change replaces methionine, which is neutral and non-polar, with lysine, which is basic and polar, at codon 527 of the STIM1 protein (p.Met527Lys). This variant is not present in population databases (gnomAD no frequency). This variant has not been reported in the literature in individuals affected with STIM1-related conditions. Advanced modeling of protein sequence and biophysical properties (such as structural, functional, and spatial information, amino acid conservation, physicochemical variation, residue mobility, and thermodynamic stability) has been performed at Invitae for this missense variant, however the output from this modeling did not meet the statistical confidence thresholds required to predict the impact of this variant on STIM1 protein function. In summary, the available evidence is currently insufficient to determine the role of this variant in disease. Therefore, it has been classified as a Variant of Uncertain Significance.